The following is an entry in ClinVar:

NM_001122681.2(SH3BP2):c.343_345delinsTCC (p.Glu115Ser)

Gene: SH3BP2 (SH3 domain binding protein 2; plus strand). Cytogenetic location: 4p16.3.
Variant type: Indel.
Coding change: c.343_345delinsTCC on transcript NM_001122681.2 (MANE Select); coding-DNA positions 343 to 345, GAG replaced by TCC.
Protein change: p.Glu115Ser; replaces glutamic acid 115 with serine.
Molecular consequence: missense variant.
Genome position (GRCh38, 1-based): chr4:2,824,716-2,824,718, GAG replaced by TCC. VCF-style: chr4-2824716-GAG-TCC. GRCh37 (hg19) VCF-style: chr4-2826443-GAG-TCC.
Other names: c.427_429delinsTCC, p.Glu143Ser (NM_001145855.2); c.514_516delinsTCC, p.Glu172Ser (NM_001145856.2); c.343_345delinsTCC, p.Glu115Ser (NM_003023.4); short protein forms E172S, E143S, E115S.
Identifiers: ClinVar variation 2861487 (VCV002861487.3), dbSNP rs2530324891, ClinGen allele CA2739270011.

ClinVar aggregate classification (germline): Uncertain significance (1 of 4 stars; one submission).

Conditions:
Fibrous dysplasia of jaw (CRBM). Also called: Cherubism. Identifiers: Orphanet 184, MedGen C0008029, MONDO:0007315, OMIM 118400.

Submission:

Labcorp Genetics (formerly Invitae), Labcorp
Classification: Uncertain significance for Fibrous dysplasia of jaw. Last evaluated: 2024-01-02. Review status: criteria provided, single submitter. Criteria: Invitae Variant Classification Sherloc (09022015). Collection method: clinical testing. Allele origin: germline.
Comment: This sequence change replaces glutamic acid, which is acidic and polar, with serine, which is neutral and polar, at codon 115 of the SH3BP2 protein (p.Glu115Ser). Information on the frequency of this variant in the gnomAD database is not available, as this variant may be reported differently in the database. This variant has not been reported in the literature in individuals affected with SH3BP2-related conditions. An algorithm developed to predict the effect of missense changes on protein structure and function (PolyPhen-2) suggests that this variant is likely to be disruptive. In summary, the available evidence is currently insufficient to determine the role of this variant in disease. Therefore, it has been classified as a Variant of Uncertain Significance.